The following is an entry in ClinVar:

ClinVar aggregate classification (germline): Uncertain significance (1 of 4 stars; one submission).

Conditions:
Infantile-onset ascending hereditary spastic paralysis (IAHSP). Also called: Infantile-Onset Ascending Hereditary Spastic Paralysis (IAHSP); Autosomal Recessive Juvenile Amyotrophic Lateral Sclerosis. Identifiers: Orphanet 293168, MedGen C2931441, MONDO:0011797, OMIM 607225. Disease mechanism: loss of function.

Allele frequency attached by ClinVar (database versions not stated): gnomAD exomes below 0.00001 and 0.00001.
gnomAD v4.1: 4 of 1,614,144 alleles (0.00025%); highest among the groups gnomAD compares: Admixed American, 0.0033%; no homozygotes.

Submission:

Labcorp Genetics (formerly Invitae), Labcorp
Classification: Uncertain significance for Infantile-onset ascending hereditary spastic paralysis. Last evaluated: 2019-04-09. Review status: criteria provided, single submitter. Criteria: Invitae Variant Classification Sherloc (09022015). Collection method: clinical testing. Allele origin: germline.
Comment: This sequence change replaces threonine with isoleucine at codon 1578 of the ALS2 protein (p.Thr1578Ile). The threonine residue is highly conserved and there is a moderate physicochemical difference between threonine and isoleucine. This variant is not present in population databases (ExAC no frequency). This variant has not been reported in the literature in individuals with ALS2-related conditions. Algorithms developed to predict the effect of missense changes on protein structure and function are either unavailable or do not agree on the potential impact of this missense change (SIFT: "Deleterious"; PolyPhen-2: "Probably Damaging"; Align-GVGD: "Class C15"). In summary, the available evidence is currently insufficient to determine the role of this variant in disease. Therefore, it has been classified as a Variant of Uncertain Significance.

NM_020919.4(ALS2):c.4733C>T (p.Thr1578Ile)

Gene: ALS2 (alsin Rho guanine nucleotide exchange factor ALS2; minus strand). Cytogenetic location: 2q33.1.
Variant type: single nucleotide variant.
Coding change: c.4733C>T on transcript NM_020919.4 (MANE Select); coding-DNA position 4733, C replaced by T.
Protein change: p.Thr1578Ile; replaces threonine 1578 with isoleucine.
Molecular consequence: missense variant.
Genome position (GRCh38, 1-based): chr2:201,704,559, G>A on the plus strand (C>T on the coding strand, the complement: ALS2 is on the minus strand). VCF-style: chr2-201704559-G-A. GRCh37 (hg19) VCF-style: chr2-202569282-G-A.
Other names: short protein forms T1578I.
Identifiers: ClinVar variation 856694 (VCV000856694.9), dbSNP rs1411563415, ClinGen allele CA350320968.
Genomic context (GRCh38, chr2:201,704,559, plus strand): 5'-ATGGACCACAAGAAGTCTTCGTGGAGTGACGCCAGGACACTCTGAGAGATCTCCTCAAAA[G>A]TCTGCTGGATGACCTTAAGTTTGTCTGATGGGGTAAATGTTGTGCTGTTACAGAAACAAT-3'
Protein context (NP_065970.2, residues 1568-1588): PSDKLKVIQQ[Thr1578Ile]FEEISQSVLA